The following is an entry in ClinVar:

NM_024422.6(DSC2):c.942+13_942+15dup

Gene: DSC2 (desmocollin 2; minus strand). Cytogenetic location: 18q12.1.
Variant type: Duplication.
Coding change: c.942+13_942+15dup on transcript NM_024422.6 (MANE Select); bases 13 to 15 of the intron after coding-DNA position 942, 3 bases duplicated (TTA; older notation c.942+13_942+15dupTTA).
Molecular consequence: intron variant.
Genome position (GRCh38, 1-based): chr18:31,086,561-31,086,563, TAA duplicated on the plus strand (TTA on the coding strand, the reverse complement: DSC2 is on the minus strand); duplicating any 3 consecutive bases within chr18:31,086,561-31,086,564 gives the same sequence; the c. name uses the placement nearest the transcript's 3' end. VCF-style (leftmost placement, unchanged base first): chr18-31086560-T-TTAA. GRCh37 (hg19) VCF-style: chr18-28666526-T-TTAATAA.
Other names: c.942+13_942+15dup (NM_004949.5).
Identifiers: ClinVar variation 46203 (VCV000046203.23), dbSNP rs5823783, ClinGen allele CA137864.
Genomic context (GRCh38, chr18:31,086,560, plus strand): 5'-AAACACATCTACAGGAGTTATACAGGTACTATTGAATAGCCACGTTATAATCAGGTTTTA[T>TTAA]TAATGTTTATGTTACCTCTCTGTCTAGCTGAGATGATGTTGTGGTGATCACGCCTGTAGT-3'

ClinVar aggregate classification (germline): Benign/Likely benign. Review status: criteria provided, multiple submitters, no conflicts (2 of 4 stars). 8 submissions from 8 submitters: Benign (6); Likely benign (1). 1 of the submissions does not count toward it. Last evaluated 2026-02-04.

Conditions:
Cardiovascular phenotype. Identifiers: MedGen CN230736.
Arrhythmogenic right ventricular dysplasia 11. Also called: Arrhythmogenic Right Ventricular Dysplasia/Cardiomyopathy11; ARRHYTHMOGENIC RIGHT VENTRICULAR DYSPLASIA, FAMILIAL, 11; Arrhythmogenic right ventricular dysplasia 11 with mild palmoplantar keratoderma and woolly hair. Identifiers: MedGen C1864850, MONDO:0012506, OMIM 610476.

Submissions (8):

Labcorp Genetics (formerly Invitae), Labcorp
Classification: Benign for Arrhythmogenic right ventricular dysplasia 11. Last evaluated: 2026-02-04. Review status: criteria provided, single submitter. Criteria: Invitae Variant Classification Sherloc (09022015). Collection method: clinical testing. Allele origin: germline.

Blueprint Genetics
Classification: Benign. Last evaluated: 2024-11-28. Review status: criteria provided, single submitter. Criteria: ACMG Guidelines, 2015. Collection method: clinical testing. Allele origin: germline.

Laboratory for Molecular Medicine, Mass General Brigham Personalized Medicine
Classification: Benign. Last evaluated: 2018-07-19. Review status: criteria provided, single submitter. Criteria: LMM Criteria. Collection method: clinical testing. Allele origin: germline. Observed: 2,021 variant alleles.
Comment: c.942+12_942+13insTTA in DSC2 is a RefSeq error and is the major allele at this position with an allele frequency of 99.9% in the Genome Aggregation Database (g nomAD).

GeneDx
Classification: Benign. Last evaluated: 2018-06-07. Review status: criteria provided, single submitter. Criteria: GeneDx Variant Classification Process June 2021. Collection method: clinical testing. Allele origin: germline. Affected: yes.

Ambry Genetics
Classification: Benign for Cardiovascular phenotype. Last evaluated: 2015-12-20. Review status: criteria provided, single submitter. Criteria: Ambry Variant Classification Scheme 2023. Collection method: clinical testing. Allele origin: germline.

Clinical Genetics DNA and cytogenetics Diagnostics Lab, Erasmus MC, Erasmus Medical Center
Classification: Benign for Arrhythmogenic right ventricular dysplasia 11. Last evaluated: 2015-09-21. Review status: criteria provided, single submitter. Criteria: ACGS Guidelines, 2013. Collection method: clinical testing. Allele origin: germline. Affected: yes. Study: VKGL Data-share Consensus.

PreventionGenetics, part of Exact Sciences
Classification: Likely benign. Review status: criteria provided, single submitter. Criteria: ACMG Guidelines, 2015. Collection method: clinical testing. Allele origin: germline.

Clinical Genetics, Academic Medical Center
Classification: Benign. Review status: no assertion criteria provided. Collection method: clinical testing. Allele origin: germline. Affected: yes. Study: VKGL Data-share Consensus. Not counted in ClinVar's aggregate classification.